The following is an entry in ClinVar:

NM_001605.3(AARS1):c.1855C>T (p.Leu619Phe)

Gene: AARS1 (alanyl-tRNA synthetase 1; minus strand). Cytogenetic location: 16q22.1.
Variant type: single nucleotide variant.
Coding change: c.1855C>T on transcript NM_001605.3 (MANE Select); coding-DNA position 1855, C replaced by T.
Protein change: p.Leu619Phe; replaces leucine 619 with phenylalanine.
Molecular consequence: missense variant.
Genome position (GRCh38, 1-based): chr16:70,259,117, G>A on the plus strand (C>T on the coding strand, the complement: AARS1 is on the minus strand). VCF-style: chr16-70259117-G-A. GRCh37 (hg19) VCF-style: chr16-70293020-G-A.
Other names: short protein forms L619F.
Identifiers: ClinVar variation 2149417 (VCV002149417.28), dbSNP rs1188388841, ClinGen allele CA396558204.

ClinVar aggregate classification (germline): Uncertain significance. Review status: criteria provided, multiple submitters, no conflicts (2 of 4 stars). 2 submissions from 2 submitters: Uncertain significance (2). Last evaluated 2022-12-07.

Conditions:
Charcot-Marie-Tooth disease type 2. Also called: Charcot-Marie-Tooth type 2. Identifiers: Orphanet 64746, MedGen C0270914, MONDO:0018993.

gnomAD v4.1: 5 of 1,614,180 alleles (0.00031%); highest among the groups gnomAD compares: African/African-American, 0.0013%; no homozygotes.

Submissions (2):

Labcorp Genetics (formerly Invitae), Labcorp
Classification: Uncertain significance for Charcot-Marie-Tooth disease type 2. Last evaluated: 2022-12-07. Review status: criteria provided, single submitter. Criteria: Invitae Variant Classification Sherloc (09022015). Collection method: clinical testing. Allele origin: germline.
Comment: This sequence change replaces leucine, which is neutral and non-polar, with phenylalanine, which is neutral and non-polar, at codon 619 of the AARS protein (p.Leu619Phe). This variant is present in population databases (no rsID available, gnomAD 0.0009%). This variant has not been reported in the literature in individuals affected with AARS-related conditions. Advanced modeling of protein sequence and biophysical properties (such as structural, functional, and spatial information, amino acid conservation, physicochemical variation, residue mobility, and thermodynamic stability) performed at Invitae indicates that this missense variant is not expected to disrupt AARS protein function. In summary, the available evidence is currently insufficient to determine the role of this variant in disease. Therefore, it has been classified as a Variant of Uncertain Significance.

CeGaT Center for Human Genetics Tuebingen
Classification: Uncertain significance. Last evaluated: 2022-04-01. Review status: criteria provided, single submitter. Criteria: CeGaT Center For Human Genetics Tuebingen Variant Classification Criteria Version 2. Collection method: clinical testing. Allele origin: germline. Affected: yes. Observed: 1 variant allele.
Comment: AARS1: PM2, PP3